The following is an entry in ClinVar:

ClinVar aggregate classification (germline): Pathogenic/Likely pathogenic. Review status: criteria provided, multiple submitters, no conflicts (2 of 4 stars). 3 submissions from 3 submitters: Pathogenic (1); Likely pathogenic (2). Last evaluated 2025-06-12.

Conditions:
Charcot-Marie-Tooth disease type 4A. Also called: Charcot-Marie-Tooth disease, demyelinating, autosomal recessive, type 4a. Identifiers: Orphanet 99948, MedGen C1859198, MONDO:0008961, OMIM 214400.

Allele frequency attached by ClinVar (database versions not stated): gnomAD exomes 0.00001 and below 0.00001; gnomAD 0.00001.
gnomAD v4.1: 3 of 1,613,146 alleles (0.00019%); highest among the groups gnomAD compares: Admixed American, 0.0033%; no homozygotes.

Submissions (3):

Labcorp Genetics (formerly Invitae), Labcorp
Classification: Pathogenic for Charcot-Marie-Tooth disease type 4A. Last evaluated: 2025-06-12. Review status: criteria provided, single submitter. Criteria: Invitae Variant Classification Sherloc (09022015). Collection method: clinical testing. Allele origin: germline.
Comment: This sequence change replaces proline, which is neutral and non-polar, with threonine, which is neutral and polar, at codon 119 of the GDAP1 protein (p.Pro119Thr). This variant is present in population databases (no rsID available, gnomAD 0.006%). This missense change has been observed in individual(s) with autosomal recessive Charcot-Marie-Tooth disease (PMID: 31827005, 33903021). In at least one individual the data is consistent with being in trans (on the opposite chromosome) from a pathogenic variant. This variant has been reported in individual(s) with autosomal dominant Charcot-Marie-Tooth disease (PMID: 33903021); however, the role of the variant in this condition is currently unclear. ClinVar contains an entry for this variant (Variation ID: 802414). Invitae Evidence Modeling of protein sequence and biophysical properties (such as structural, functional, and spatial information, amino acid conservation, physicochemical variation, residue mobility, and thermodynamic stability) indicates that this missense variant is not expected to disrupt GDAP1 protein function with a negative predictive value of 80%. For these reasons, this variant has been classified as Pathogenic.

Women's Health and Genetics/Laboratory Corporation of America, LabCorp
Classification: Likely pathogenic for Charcot-Marie-Tooth disease type 4A. Last evaluated: 2023-09-29. Review status: criteria provided, single submitter. Criteria: LabCorp Variant Classification Summary - May 2015. Collection method: clinical testing. Allele origin: germline.
Comment: Variant summary: GDAP1 c.355C>A (p.Pro119Thr) results in a non-conservative amino acid change in the encoded protein sequence. Three of five in-silico tools predict a damaging effect of the variant on protein function. The variant allele was found at a frequency of 8e-06 in 251466 control chromosomes. c.355C>A has been reported in the literature in at-least four individuals affected with Charcot-Marie Disease, either in trans along with a second pathogenic variant or at a homozygous state (example, Cavalcanti_2021, Cortese_2020, Figueiredo_2021). These data indicate that the variant is likely to be associated with disease. To our knowledge, no experimental evidence demonstrating an impact on protein function has been reported. Two submitters have cited clinical-significance assessments for this variant to ClinVar after 2014. Both submitters classified the variant as pathogenic/likely pathogenic. Based on the evidence outlined above, the variant was classified as likely pathogenic.

Mendelics
Classification: Likely pathogenic for Charcot-Marie-Tooth disease type 4A. Last evaluated: 2019-05-28. Review status: criteria provided, single submitter. Criteria: Mendelics Assertion Criteria 2017. Collection method: clinical testing. Allele origin: unknown.

Literature cited by the submitters: PubMed 31827005 (cited by Labcorp Genetics (formerly Invitae), Labcorp and Women's Health and Genetics/Laboratory Corporation of America, LabCorp); PubMed 33903021 (cited by Labcorp Genetics (formerly Invitae), Labcorp and Women's Health and Genetics/Laboratory Corporation of America, LabCorp); PubMed 34190362 (cited by Women's Health and Genetics/Laboratory Corporation of America, LabCorp).

NM_018972.4(GDAP1):c.355C>A (p.Pro119Thr)

Gene: GDAP1 (ganglioside induced differentiation associated protein 1; plus strand). Cytogenetic location: 8q21.11.
Variant type: single nucleotide variant.
Coding change: c.355C>A on transcript NM_018972.4 (MANE Select); coding-DNA position 355, C replaced by A.
Protein change: p.Pro119Thr; replaces proline 119 with threonine.
Molecular consequence: missense variant. On other transcripts: intron variant (1).
Genome position (GRCh38, 1-based): chr8:74,360,181, C>A. VCF-style: chr8-74360181-C-A. GRCh37 (hg19) VCF-style: chr8-75272416-C-A.
Other names: c.151C>A, p.Pro51Thr (NM_001040875.4); c.28C>A, p.Pro10Thr (NM_001362929.2, NM_001362932.2); c.355C>A, p.Pro119Thr (NM_001362931.2); c.311-1703C>A (NM_001362930.2); short protein forms P119T, P51T, P10T.
Identifiers: ClinVar variation 802414 (VCV000802414.6), dbSNP rs936681187, ClinGen allele CA179735048.
Genomic context (GRCh38, chr8:74,360,181, plus strand): 5'-TGTGTGTGTATTTTAGAAAGAACACCCAGGTTAATGCCTGATAAAGAAAGCATGTATTAC[C>A]CACGGGTACAACATTACCGAGAGCTGCTTGACTCCTTGCCAATGGATGCCTATACACATG-3'
Protein context (NP_061845.2, residues 109-129): LMPDKESMYY[Pro119Thr]RVQHYRELLD